The following is an entry in ClinVar:

NM_000188.3(HK1):c.2454C>T (p.Leu818=)

Gene: HK1 (hexokinase 1; plus strand). Cytogenetic location: 10q22.1.
Variant type: single nucleotide variant.
Coding change: c.2454C>T on transcript NM_000188.3 (MANE Select); coding-DNA position 2454, C replaced by T.
Protein change: p.Leu818=; no amino-acid change (leucine 818 retained).
Molecular consequence: synonymous variant.
Genome position (GRCh38, 1-based): chr10:69,398,673, C>T. VCF-style: chr10-69398673-C-T. GRCh37 (hg19) VCF-style: chr10-71158429-C-T.
Other names: c.2466C>T, p.Leu822= (NM_001322364.2, NM_001358263.1, NM_033497.3 and 1 more transcripts); c.2559C>T, p.Leu853= (NM_001322365.2); c.2370C>T, p.Leu790= (NM_001322366.1); c.2358C>T, p.Leu786= (NM_001322367.1); c.2451C>T, p.Leu817= (NM_033496.3); c.2418C>T, p.Leu806= (NM_033500.2).
Identifiers: ClinVar variation 1115299 (VCV001115299.18), dbSNP rs149531762, ClinGen allele CA5532859.
Genomic context (GRCh38, chr10:69,398,673, plus strand): 5'-CCAGGTCCGGGCTATCCTCCAGCAGCTAGGTCTGAATAGCACCTGCGATGACAGTATCCT[C>T]GTCAAGACAGTGTGCGGGGTGGTGTCCAGGAGGGCCGCACAGCTGTGTGGCGCAGGCATG-3'
Protein context (NP_000179.2, residues 808-828): GLNSTCDDSI[Leu818=]VKTVCGVVSR

ClinVar aggregate classification (germline): Likely benign. Review status: criteria provided, multiple submitters, no conflicts (2 of 4 stars). 4 submissions from 4 submitters: Likely benign (4). Last evaluated 2026-01-01.

Allele frequency attached by ClinVar (database versions not stated): gnomAD exomes 0.00004 and 0.00008; ExAC 0.00008; ESP Exome Variant Server 0.00031.
gnomAD v4.1: 86 of 1,614,046 alleles (0.0053%); highest among the groups gnomAD compares: Middle Eastern, 0.066%; no homozygotes.

Submissions (4):

CeGaT Center for Human Genetics Tuebingen
Classification: Likely benign. Last evaluated: 2026-01-01. Review status: criteria provided, single submitter. Criteria: CeGaT Center For Human Genetics Tuebingen Variant Classification Criteria Version 2. Collection method: clinical testing. Allele origin: germline. Affected: yes. Observed: 2 variant alleles.
Comment: HK1: BP4, BP7

Labcorp Genetics (formerly Invitae), Labcorp
Classification: Likely benign. Last evaluated: 2025-12-21. Review status: criteria provided, single submitter. Criteria: Invitae Variant Classification Sherloc (09022015). Collection method: clinical testing. Allele origin: germline.

Blueprint Genetics
Classification: Likely benign. Last evaluated: 2024-11-25. Review status: criteria provided, single submitter. Criteria: ACMG Guidelines, 2015. Collection method: clinical testing. Allele origin: germline.

Breakthrough Genomics
Classification: Likely benign. Review status: criteria provided, single submitter. Criteria: ACMG Guidelines, 2015. Collection method: not provided. Allele origin: germline. Inheritance: Autosomal recessive inheritance. Affected: yes.